The following is an entry in ClinVar:

ClinVar aggregate classification (germline): Uncertain significance (1 of 4 stars; one submission).

Conditions:
Cardiovascular phenotype. Identifiers: MedGen CN230736.

Submission:

Ambry Genetics
Classification: Uncertain significance for Cardiovascular phenotype. Last evaluated: 2026-01-06. Review status: criteria provided, single submitter. Criteria: Ambry Variant Classification Scheme 2023. Collection method: clinical testing. Allele origin: germline.
Comment: The c.1093-1G>A intronic variant results from a G to A substitution one nucleotide upstream from coding exon 9 of the SCN10A gene. The evidence for this gene-disease relationship is limited; therefore, the clinical significance of this alteration is unclear.

NM_006514.4(SCN10A):c.1093-1G>A

Gene: SCN10A (sodium voltage-gated channel alpha subunit 10; minus strand). Cytogenetic location: 3p22.2.
Variant type: single nucleotide variant.
Coding change: c.1093-1G>A on transcript NM_006514.4 (MANE Select); the canonical splice acceptor site of the intron before coding-DNA position 1093, G replaced by A.
Molecular consequence: splice acceptor variant.
Genome position (GRCh38, 1-based): chr3:38,756,872, C>T on the plus strand (G>A on the coding strand, the complement: SCN10A is on the minus strand). VCF-style: chr3-38756872-C-T. GRCh37 (hg19) VCF-style: chr3-38798363-C-T.
Other names: c.1093-1G>A (NM_001293307.2, NM_001293306.2).
Identifiers: ClinVar variation 4841934 (VCV004841934.1).